The following is an entry in ClinVar:

ClinVar aggregate classification (germline): Likely benign (1 of 4 stars; one submission).

Submission:

GeneDx
Classification: Likely benign. Last evaluated: 2017-08-17. Review status: criteria provided, single submitter. Criteria: GeneDx Variant Classification (06012015). Collection method: clinical testing. Allele origin: germline. Affected: yes.
Comment: This variant is considered likely benign or benign based on one or more of the following criteria: it is a conservative change, it occurs at a poorly conserved position in the protein, it is predicted to be benign by multiple in silico algorithms, and/or has population frequency not consistent with disease.

NM_003494.4(DYSF):c.-12C>G

Gene: DYSF (dysferlin; plus strand). Cytogenetic location: 2p13.2.
Variant type: single nucleotide variant.
Coding change: c.-12C>G on transcript NM_003494.4 (MANE Plus Clinical); 12 bases upstream of the start codon, C replaced by G.
Molecular consequence: 5 prime UTR variant.
Genome position (GRCh38, 1-based): chr2:71,453,987, C>G. VCF-style: chr2-71453987-C-G. GRCh37 (hg19) VCF-style: chr2-71681117-C-G.
Other names: c.-12C>G (NM_001130979.2, NM_001130980.2, NM_001130981.2 and 3 more transcripts).
Identifiers: ClinVar variation 511436 (VCV000511436.3), dbSNP rs1553495883, ClinGen allele CA658795809.
Genomic context (GRCh38, chr2:71,453,987, plus strand): 5'-GCGCCTCGGCCCTCCCGACCTTTCCGAGCCCTCTTTGCGCCCTGGGCGCACGGGGCCCTA[C>G]ACGCGCCAAGCATGCTGAGGGTCTTCATCCTCTATGCCGAGAACGTCCACACACCCGACA-3'